The following is an entry in ClinVar:

NM_001378373.1(MBL2):c.483T>C (p.Ser161=)

Gene: MBL2 (mannose binding lectin 2; minus strand). Cytogenetic location: 10q21.1.
Variant type: single nucleotide variant.
Coding change: c.483T>C on transcript NM_001378373.1 (MANE Select); coding-DNA position 483, T replaced by C.
Protein change: p.Ser161=; no amino-acid change (serine 161 retained).
Molecular consequence: synonymous variant.
Genome position (GRCh38, 1-based): chr10:52,768,401, A>G on the plus strand (T>C on the coding strand, the complement: MBL2 is on the minus strand). VCF-style: chr10-52768401-A-G. GRCh37 (hg19) VCF-style: chr10-54528161-A-G.
Other names: c.483T>C, p.Ser161= (NM_000242.3, NM_001378374.1).
Identifiers: ClinVar variation 300147 (VCV000300147.7), dbSNP rs760332285, ClinGen allele CA5504303.

ClinVar aggregate classification (germline): Uncertain significance. Review status: criteria provided, single submitter (1 of 4 stars). 2 submissions from 2 submitters: Uncertain significance (1). 1 of the submissions does not count toward it. Last evaluated 2018-01-13.

Conditions:
MBL2-related disorder. Also called: MBL2-related condition.
Mannose-binding lectin deficiency. Also called: LECTIN COMPLEMENT ACTIVATION PATHWAY, DEFECT IN, 1; MBP DEFICIENCY; MBL DEFICIENCY; MBL2 DEFICIENCY; Chronic infections, due to MBL deficiency. Identifiers: MedGen C3280586, MONDO:0013714, OMIM 614372.

Allele frequency attached by ClinVar (database versions not stated): gnomAD 0.00026; TOPMed 0.00002.

Submissions (2):

Illumina Laboratory Services, Illumina
Classification: Uncertain significance for Mannose-binding lectin deficiency. Last evaluated: 2018-01-13. Review status: criteria provided, single submitter. Criteria: ICSL Variant Classification Criteria 13 December 2019. Collection method: clinical testing. Allele origin: germline.

PreventionGenetics, part of Exact Sciences
Classification: Likely benign for MBL2-related condition. Last evaluated: 2019-04-12. Review status: no assertion criteria provided. Collection method: clinical testing. Allele origin: germline. Not counted in ClinVar's aggregate classification.
Comment: This variant is classified as likely benign based on ACMG/AMP sequence variant interpretation guidelines (Richards et al. 2015 PMID: 25741868, with internal and published modifications).